The following is an entry in ClinVar:

NM_022726.4(ELOVL4):c.541+60G>A

Gene: ELOVL4 (ELOVL fatty acid elongase 4; minus strand). Cytogenetic location: 6q14.1.
Variant type: single nucleotide variant.
Coding change: c.541+60G>A on transcript NM_022726.4 (MANE Select); 60 bases into the intron after coding-DNA position 541, G replaced by A.
Molecular consequence: intron variant.
Genome position (GRCh38, 1-based): chr6:79,921,565, C>T on the plus strand (G>A on the coding strand, the complement: ELOVL4 is on the minus strand). VCF-style: chr6-79921565-C-T. GRCh37 (hg19) VCF-style: chr6-80631282-C-T.
Identifiers: ClinVar variation 676390 (VCV000676390.2), dbSNP rs45466000, ClinGen allele CA12414587.

ClinVar aggregate classification (germline): Likely benign. Review status: criteria provided, multiple submitters, no conflicts (2 of 4 stars). 2 submissions from 2 submitters: Likely benign (2). Last evaluated 2018-06-16.

Allele frequency attached by ClinVar (database versions not stated): 1000 Genomes Project 0.01577; 1000 Genomes Project 30x 0.01577; TOPMed 0.02542; gnomAD 0.02757 and 0.02761; gnomAD exomes 0.03992.
gnomAD v4.1: 54,863 of 1,421,798 alleles (3.9%); highest among the groups gnomAD compares: Non-Finnish European, 4.4%; 1,139 homozygotes.

Submissions (2):

GeneDx
Classification: Likely benign. Last evaluated: 2018-06-16. Review status: criteria provided, single submitter. Criteria: GeneDx Variant Classification (06012015). Collection method: clinical testing. Allele origin: germline. Affected: yes.
Comment: This variant is considered likely benign or benign based on one or more of the following criteria: it is a conservative change, it occurs at a poorly conserved position in the protein, it is predicted to be benign by multiple in silico algorithms, and/or has population frequency not consistent with disease.

Breakthrough Genomics
Classification: Likely benign. Review status: criteria provided, single submitter. Criteria: ACMG Guidelines, 2015. Collection method: not provided. Allele origin: germline. Inheritance: Autosomal recessive inheritance. Affected: yes.